The following is an entry in ClinVar:

NM_017950.4(CCDC40):c.676+2_676+3dup

Gene: CCDC40 (coiled-coil domain 40 molecular ruler complex subunit; plus strand). Cytogenetic location: 17q25.3.
Variant type: Duplication.
Coding change: c.676+2_676+3dup on transcript NM_017950.4 (MANE Select); the canonical splice donor site of the intron after coding-DNA position 676 through 3 bases into the intron after coding-DNA position 676, 2 bases duplicated (TG; older notation c.676+2_676+3dupTG).
Molecular consequence: splice donor variant.
Genome position (GRCh38, 1-based): chr17:80,047,404-80,047,405, TG duplicated; duplicating any 2 consecutive bases within chr17:80,047,403-80,047,405 gives the same sequence; the c. name uses the placement nearest the transcript's 3' end. VCF-style (leftmost placement, unchanged base first): chr17-80047402-G-GGT. GRCh37 (hg19) VCF-style: chr17-78021201-G-GGT.
Other names: p.?; c.676+2_676+3dup (NM_001243342.2, NM_001330508.2); c.676+2_676+3dupTG (NM_017950.3).
Identifiers: ClinVar variation 658381 (VCV000658381.10), dbSNP rs756160039, ClinGen allele CA8813518.
Genomic context (GRCh38, chr17:80,047,402, plus strand): 5'-CTGAGCCACGGGAGCGACATCGAGTCCTCAGACCTGGAGGAGTTCGTCTCGCAGGAGCCA[G>GGT]GTGCCACCCACCTGCTGAGGTCACCCTGCCCTGGCGATGAGCCACCTGCACAGGCCCTTC-3'

ClinVar aggregate classification (germline): Conflicting classifications of pathogenicity. Review status: criteria provided, conflicting classifications (1 of 4 stars). 4 submissions from 4 submitters: Uncertain significance (3); Likely benign (1). Last evaluated 2026-02-08.

Conditions:
Primary ciliary dyskinesia 15. Also called: CILIARY DYSKINESIA, PRIMARY, 15, WITH OR WITHOUT SITUS INVERSUS. Identifiers: Orphanet 244, MedGen C3151137, MONDO:0013435, OMIM 613808.
Primary ciliary dyskinesia. Also called: Ciliary dyskinesia. Identifiers: Orphanet 244, MedGen C0008780, MONDO:0016575, HP:0012265.

Submissions (4):

GeneDx
Classification: Uncertain significance. Last evaluated: 2026-02-08. Review status: criteria provided, single submitter. Criteria: GeneDx Variant Classification Process June 2021. Collection method: clinical testing. Allele origin: germline.
Comment: In silico analysis suggests that this variant does not alter splicing; Has not been previously published as pathogenic or benign to our knowledge

Mayo Clinic Laboratories, Mayo Clinic
Classification: Likely benign. Last evaluated: 2025-10-17. Review status: criteria provided, single submitter. Criteria: ACMG Guidelines, 2015. Collection method: clinical testing. Allele origin: germline. Observed: 1 variant allele.
Comment: BP4, BP7

Labcorp Genetics (formerly Invitae), Labcorp
Classification: Uncertain significance for Primary ciliary dyskinesia. Last evaluated: 2024-01-07. Review status: criteria provided, single submitter. Criteria: Invitae Variant Classification Sherloc (09022015). Collection method: clinical testing. Allele origin: germline.
Comment: This sequence change falls in intron 4 of the CCDC40 gene. It does not directly change the encoded amino acid sequence of the CCDC40 protein. It affects a nucleotide within the consensus splice site. This variant is present in population databases (rs756160039, gnomAD 0.09%). This variant has not been reported in the literature in individuals affected with CCDC40-related conditions. ClinVar contains an entry for this variant (Variation ID: 658381). Variants that disrupt the consensus splice site are a relatively common cause of aberrant splicing (PMID: 17576681, 9536098). Algorithms developed to predict the effect of sequence changes on RNA splicing suggest that this variant is not likely to affect RNA splicing. In summary, the available evidence is currently insufficient to determine the role of this variant in disease. Therefore, it has been classified as a Variant of Uncertain Significance.

Fulgent Genetics
Classification: Uncertain significance for Primary ciliary dyskinesia 15. Last evaluated: 2022-02-21. Review status: criteria provided, single submitter. Criteria: ACMG Guidelines, 2015. Collection method: clinical testing. Allele origin: unknown.

Literature cited by the submitters: PubMed 17576681 (cited by Labcorp Genetics (formerly Invitae), Labcorp); PubMed 9536098 (cited by Labcorp Genetics (formerly Invitae), Labcorp).